The following is an entry in ClinVar:

NM_002617.4(PEX10):c.922C>T (p.Pro308Ser)

Gene: PEX10 (peroxisomal biogenesis factor 10; minus strand). Cytogenetic location: 1p36.32.
Variant type: single nucleotide variant.
Coding change: c.922C>T on transcript NM_002617.4 (MANE Select); coding-DNA position 922, C replaced by T.
Protein change: p.Pro308Ser; replaces proline 308 with serine.
Molecular consequence: missense variant. On other transcripts: non-coding transcript variant (1).
Genome position (GRCh38, 1-based): chr1:2,405,825, G>A on the plus strand (C>T on the coding strand, the complement: PEX10 is on the minus strand). VCF-style: chr1-2405825-G-A. GRCh37 (hg19) VCF-style: chr1-2337264-G-A.
Other names: c.979C>T, p.Pro327Ser (NM_001374425.1); c.547C>T, p.Pro183Ser (NM_001374426.1); c.490C>T, p.Pro164Ser (NM_001374427.1); c.982C>T, p.Pro328Ser (NM_153818.2); short protein forms P164S, P308S, P327S, P183S, P328S.
Identifiers: ClinVar variation 1464238 (VCV001464238.7), dbSNP rs1402121158, ClinGen allele CA337983031.

ClinVar aggregate classification (germline): Uncertain significance (1 of 4 stars; one submission).

Conditions:
Peroxisome biogenesis disorder, complementation group 7 (CG7). Also called: Peroxisome biogenesis disorder, complementation group B. Identifiers: MedGen C1864399.

Allele frequency attached by ClinVar (database versions not stated): gnomAD exomes below 0.00001; gnomAD 0.00001; TOPMed 0.00001.

Submission:

Labcorp Genetics (formerly Invitae), Labcorp
Classification: Uncertain significance for Peroxisome biogenesis disorder, complementation group 7. Last evaluated: 2024-06-03. Review status: criteria provided, single submitter. Criteria: Invitae Variant Classification Sherloc (09022015). Collection method: clinical testing. Allele origin: germline.
Comment: This sequence change replaces proline, which is neutral and non-polar, with serine, which is neutral and polar, at codon 328 of the PEX10 protein (p.Pro328Ser). This variant is not present in population databases (gnomAD no frequency). This variant has not been reported in the literature in individuals affected with PEX10-related conditions. ClinVar contains an entry for this variant (Variation ID: 1464238). An algorithm developed to predict the effect of missense changes on protein structure and function (PolyPhen-2) suggests that this variant is likely to be disruptive. In summary, the available evidence is currently insufficient to determine the role of this variant in disease. Therefore, it has been classified as a Variant of Uncertain Significance.